The following is an entry in ClinVar:

NM_001130823.3(DNMT1):c.937C>T (p.Arg313Trp)

Gene: DNMT1 (DNA methyltransferase 1; minus strand). Cytogenetic location: 19p13.2.
Variant type: single nucleotide variant.
Coding change: c.937C>T on transcript NM_001130823.3 (MANE Select); coding-DNA position 937, C replaced by T.
Protein change: p.Arg313Trp; replaces arginine 313 with tryptophan.
Molecular consequence: missense variant.
Genome position (GRCh38, 1-based): chr19:10,162,738, G>A on the plus strand (C>T on the coding strand, the complement: DNMT1 is on the minus strand). VCF-style: chr19-10162738-G-A. GRCh37 (hg19) VCF-style: chr19-10273414-G-A.
Other names: c.889C>T, p.Arg297Trp (NM_001318730.2, NM_001379.4); c.574C>T, p.Arg192Trp (NM_001318731.2); short protein forms R192W, R297W, R313W.
Identifiers: ClinVar variation 853368 (VCV000853368.11), dbSNP rs1372902099, ClinGen allele CA403940885.

ClinVar aggregate classification (germline): Uncertain significance. Review status: criteria provided, multiple submitters, no conflicts (2 of 4 stars). 3 submissions from 3 submitters: Uncertain significance (3). Last evaluated 2026-08-06.

Conditions:
Hereditary sensory neuropathy-deafness-dementia syndrome. Also called: NEUROPATHY, HEREDITARY SENSORY, WITH HEARING LOSS AND DEMENTIA; Hereditary Sensory and Autonomic Neuropathy Type 1E (HSAN1E); HSN IE; Hereditary sensory neuropathy type IE. Identifiers: Orphanet 456318, MedGen C3279885, MONDO:0013584, OMIM 614116.
Autosomal dominant cerebellar ataxia, deafness and narcolepsy. Also called: Autosomal Dominant Cerebellar Ataxia, Deafness, and Narcolepsy (ADCA-DN). Identifiers: Orphanet 314404, MedGen C4302668, MONDO:0011397, OMIM 604121.

Allele frequency attached by ClinVar (database versions not stated): gnomAD 0.00001; gnomAD exomes 0.00001; TOPMed below 0.00001.
gnomAD v4.1: 16 of 1,613,498 alleles (0.00099%); highest among the groups gnomAD compares: Middle Eastern, 0.016%; no homozygotes.

Submissions (3):

OLLIN Analises Genomicas, OLLIN
Classification: Uncertain significance for Autosomal dominant cerebellar ataxia, deafness and narcolepsy. Last evaluated: 2026-08-06. Review status: criteria provided, single submitter. Criteria: ACMG Guidelines 2015 PMID 25741868. Collection method: clinical testing. Allele origin: germline. Inheritance: Autosomal dominant inheritance.
Comment: This missense variant, located in exon 13 (of 41), has been reported in ClinVar (accession VCV000853368.10) and in gnomAD with an allele frequency of 0.00099%. However, to our knowledge, it has not been reported in the scientific literature. In silico analysis predicts that this variant has a tolerated effect. This gene is constrained for missense variation. According to the currently available evidence, this variant has been classified as uncertain significance (PP2, BP4).

Labcorp Genetics (formerly Invitae), Labcorp
Classification: Uncertain significance for Hereditary sensory neuropathy-deafness-dementia syndrome. Last evaluated: 2022-11-07. Review status: criteria provided, single submitter. Criteria: Invitae Variant Classification Sherloc (09022015). Collection method: clinical testing. Allele origin: germline.
Comment: This sequence change replaces arginine, which is basic and polar, with tryptophan, which is neutral and slightly polar, at codon 313 of the DNMT1 protein (p.Arg313Trp). This variant is present in population databases (no rsID available, gnomAD 0.006%). This variant has not been reported in the literature in individuals affected with DNMT1-related conditions. ClinVar contains an entry for this variant (Variation ID: 853368). Algorithms developed to predict the effect of missense changes on protein structure and function are either unavailable or do not agree on the potential impact of this missense change (SIFT: "Deleterious"; PolyPhen-2: "Possibly Damaging"; Align-GVGD: "Class C0"). In summary, the available evidence is currently insufficient to determine the role of this variant in disease. Therefore, it has been classified as a Variant of Uncertain Significance.

Fulgent Genetics
Classification: Uncertain significance for Autosomal dominant cerebellar ataxia, deafness and narcolepsy; Hereditary sensory neuropathy-deafness-dementia syndrome. Last evaluated: 2021-08-10. Review status: criteria provided, single submitter. Criteria: ACMG Guidelines, 2015. Collection method: clinical testing. Allele origin: unknown.